The following is an entry in ClinVar:

ClinVar aggregate classification (germline): Pathogenic. Review status: criteria provided, multiple submitters, no conflicts (2 of 4 stars). 4 submissions from 4 submitters: Pathogenic (3). 1 of the submissions does not count toward it. Last evaluated 2024-06-04.

Conditions:
Hereditary cancer-predisposing syndrome. Also called: Tumor predisposition; Neoplastic Syndromes, Hereditary; Hereditary neoplastic syndrome; Hereditary Cancer Syndrome. Identifiers: Orphanet 140162, MedGen C0027672, MeSH D009386, MONDO:0015356.
Multiple endocrine neoplasia, type 1 (MEN1). Also called: MEN I; WERMER SYNDROME; Endocrine adenomatosis multiple; MEN 1; MEA I. Identifiers: Orphanet 652, MedGen C0025267, MeSH D018761, MONDO:0007540, OMIM 131100.

Submissions (4):

Labcorp Genetics (formerly Invitae), Labcorp
Classification: Pathogenic for Multiple endocrine neoplasia, type 1. Last evaluated: 2024-06-04. Review status: criteria provided, single submitter. Criteria: Invitae Variant Classification Sherloc (09022015). Collection method: clinical testing. Allele origin: germline.
Comment: This sequence change affects a donor splice site in intron 3 of the MEN1 gene. RNA analysis indicates that disruption of this splice site induces altered splicing and likely results in the loss of 35 amino acid residue(s), but is expected to preserve the integrity of the reading-frame. This variant is not present in population databases (gnomAD no frequency). Disruption of this splice site has been observed in individual(s) with clinical features of multiple endocrine neoplasia type 1 (MEN1) syndrome (PMID: 22275377, 25733923, 28870973). This variant is also known as IVS3+1G>A. ClinVar contains an entry for this variant (Variation ID: 39763). Studies have shown that disruption of this splice site results in the activation of a cryptic splice site in exon 3 (PMID: 22275377). This variant disrupts a region of the MEN1 protein in which other variant(s) (p.Trp183Cys) have been determined to be pathogenic (PMID: 11524904, 16699310, 22281890). This suggests that this is a clinically significant region of the protein, and that variants that disrupt it are likely to be disease-causing. For these reasons, this variant has been classified as Pathogenic.

GeneDx
Classification: Pathogenic. Last evaluated: 2023-01-12. Review status: criteria provided, single submitter. Criteria: GeneDx Variant Classification Process June 2021. Collection method: clinical testing. Allele origin: germline. Affected: yes.
Comment: Canonical splice site variant expected to result in aberrant splicing; Not observed at significant frequency in large population cohorts (gnomAD); Published functional studies demonstrate in-frame loss of 35 amino acids disrupting TGF-B signaling and leading to reduced activation of p15 and p21 as well as increased cell proliferation (Canaff et al., 2012); This variant is associated with the following publications: (PMID: 22275377, 25733923, 30339208, 28870973)

Ambry Genetics
Classification: Pathogenic for Hereditary cancer-predisposing syndrome. Last evaluated: 2020-08-25. Review status: criteria provided, single submitter. Criteria: Ambry Variant Classification Scheme 2023. Collection method: clinical testing. Allele origin: germline.
Comment: The c.654+1G>A intronic pathogenic mutation results from a G to A substitution one nucleotide after coding exon 2 of the MEN1 gene. This alteration has been detected in an individual with multiple endocrine neoplasia type 1 (MEN1) syndrome (Canaff L et al. J. Biol. Chem., 2012 Mar;287:8584-97). RNA studies showed that the c.654+1G>A variant leads to an alternatively spliced transcript with a 35 amino acid deletion (Canaff L et al. J. Biol. Chem., 2012 Mar;287:8584-97). In addition, functional studies conducted by this same group showed that lymphoblastoid cells expressing the resulting mutant protein showed increased cell proliferation and had a defective TGF-&beta; response. Another variant at this donor site, c.654+1G>T, has also been detected in multiple unrelated families with MEN1 (Teh BT et al. J. Clin. Endocrinol. Metab., 1998 Aug;83:2621-6; Ambry Internal Data). In addition to the clinical data presented in the literature, alterations that disrupt the canonical splice site are expected to cause aberrant splicing, resulting in an abnormal protein or a transcript that is subject to nonsense-mediated mRNA decay. As such, this alteration is classified as a disease-causing mutation.

OMIM
Classification: Pathogenic for MULTIPLE ENDOCRINE NEOPLASIA, TYPE I. Last evaluated: 2012-03-09. Review status: no assertion criteria provided. Collection method: literature only. Allele origin: germline. Not counted in ClinVar's aggregate classification.

Literature cited by the submitters: PubMed 22275377 (cited by 3 submitters); PubMed 25733923 (cited by Labcorp Genetics (formerly Invitae), Labcorp); PubMed 28870973 (cited by Labcorp Genetics (formerly Invitae), Labcorp); PubMed 11524904 (cited by Labcorp Genetics (formerly Invitae), Labcorp); PubMed 16699310 (cited by Labcorp Genetics (formerly Invitae), Labcorp); PubMed 22281890 (cited by Labcorp Genetics (formerly Invitae), Labcorp).

NM_001370259.2(MEN1):c.654+1G>A

Gene: MEN1 (menin 1; minus strand). Cytogenetic location: 11q13.1.
Variant type: single nucleotide variant.
Coding change: c.654+1G>A on transcript NM_001370259.2 (MANE Select); the canonical splice donor site of the intron after coding-DNA position 654, G replaced by A.
Molecular consequence: splice donor variant. On other transcripts: intron variant (5).
Genome position (GRCh38, 1-based): chr11:64,807,890, C>T on the plus strand (G>A on the coding strand, the complement: MEN1 is on the minus strand). VCF-style: chr11-64807890-C-T. GRCh37 (hg19) VCF-style: chr11-64575362-C-T.
Other names: IVS3DS, G-A, +1; c.549+106G>A (NM_001407149.1, NM_001407151.1, NM_001370263.2 and 2 more transcripts); c.654+1G>A (NM_001370260.2, NM_001370251.2, NM_001407152.1 and 7 more transcripts); c.669+1G>A (NM_130801.3, NM_130800.3, NM_001407145.1 and 5 more transcripts).
Identifiers: ClinVar variation 39763 (VCV000039763.14), dbSNP rs794728622, ClinGen allele CA381185286.